The following is an entry in ClinVar:

NM_006612.6(KIF1C):c.2963G>A (p.Arg988Gln)

Gene: KIF1C (kinesin family member 1C; plus strand). Cytogenetic location: 17p13.2.
Variant type: single nucleotide variant.
Coding change: c.2963G>A on transcript NM_006612.6 (MANE Select); coding-DNA position 2963, G replaced by A.
Protein change: p.Arg988Gln; replaces arginine 988 with glutamine.
Molecular consequence: missense variant.
Genome position (GRCh38, 1-based): chr17:5,023,802, G>A. VCF-style: chr17-5023802-G-A. GRCh37 (hg19) VCF-style: chr17-4927097-G-A.
Other names: c.2963G>A (NM_006612.5); short protein forms R988Q.
Identifiers: ClinVar variation 1959045 (VCV001959045.7), dbSNP rs193144796, ClinGen allele CA8319442.

ClinVar aggregate classification (germline): Uncertain significance. Review status: criteria provided, multiple submitters, no conflicts (2 of 4 stars). 3 submissions from 3 submitters: Uncertain significance (3). Last evaluated 2025-11-05.

Conditions:
Spastic ataxia 2. Also called: Ataxia, spastic, 2, autosomal recessive. Identifiers: Orphanet 397946, MedGen C1969796, MONDO:0012651, OMIM 611302.
Inborn genetic diseases. Identifiers: MedGen C0950123, MeSH D030342.

Allele frequency attached by ClinVar (database versions not stated): ExAC 0.00008; TOPMed 0.00015; 1000 Genomes Project 30x 0.00016; gnomAD 0.00017; 1000 Genomes Project 0.00020.
gnomAD v4.1: 99 of 1,518,732 alleles (0.0065%); highest among the groups gnomAD compares: Middle Eastern, 0.11%; 1 homozygote.

Submissions (3):

Ambry Genetics
Classification: Uncertain significance for Inborn genetic diseases. Last evaluated: 2025-11-05. Review status: criteria provided, single submitter. Criteria: Ambry Variant Classification Scheme 2023. Collection method: clinical testing. Allele origin: germline.

Blueprint Genetics
Classification: Uncertain significance. Last evaluated: 2023-11-03. Review status: criteria provided, single submitter. Criteria: ACMG Guidelines, 2015. Collection method: clinical testing. Allele origin: germline.

Labcorp Genetics (formerly Invitae), Labcorp
Classification: Uncertain significance for Spastic ataxia 2. Last evaluated: 2023-08-10. Review status: criteria provided, single submitter. Criteria: Invitae Variant Classification Sherloc (09022015). Collection method: clinical testing. Allele origin: germline.
Comment: ClinVar contains an entry for this variant (Variation ID: 1959045). This sequence change replaces arginine, which is basic and polar, with glutamine, which is neutral and polar, at codon 988 of the KIF1C protein (p.Arg988Gln). This variant is present in population databases (rs193144796, gnomAD 0.05%). This variant has not been reported in the literature in individuals affected with KIF1C-related conditions. An algorithm developed to predict the effect of missense changes on protein structure and function (PolyPhen-2) suggests that this variant is likely to be disruptive. In summary, the available evidence is currently insufficient to determine the role of this variant in disease. Therefore, it has been classified as a Variant of Uncertain Significance.